The following is an entry in ClinVar:

ClinVar aggregate classification (germline): Conflicting classifications of pathogenicity. Review status: criteria provided, conflicting classifications (1 of 4 stars). 3 submissions from 3 submitters: Uncertain significance (2); Likely benign (1). Last evaluated 2025-07-02.

Conditions:
Hereditary cancer-predisposing syndrome. Also called: Hereditary Cancer Syndrome; Hereditary neoplastic syndrome; Tumor predisposition; Neoplastic Syndromes, Hereditary. Identifiers: Orphanet 140162, MedGen C0027672, MeSH D009386, MONDO:0015356.

Submissions (4):

Ambry Genetics
Classification: Likely benign for Hereditary cancer-predisposing syndrome. Last evaluated: 2025-07-02. Review status: criteria provided, single submitter. Criteria: Ambry Variant Classification Scheme 2023. Collection method: clinical testing. Allele origin: germline.

Women's Health and Genetics/Laboratory Corporation of America, LabCorp
Classification: Uncertain significance. Last evaluated: 2021-07-23. Review status: criteria provided, single submitter. Criteria: LabCorp Variant Classification Summary - May 2015. Collection method: clinical testing. Allele origin: germline.
Comment: Variant summary: BRCA1 c.5378A>C (p.Lys1793Thr) results in a non-conservative amino acid change located in the BRCT domain (IPR001357) of the encoded protein sequence. Four of five in-silico tools predict a damaging effect of the variant on protein function. The variant was absent in 251452 control chromosomes. The available data on variant occurrences in the general population are insufficient to allow any conclusion about variant significance. To our knowledge, no occurrence of c.5378A>C in individuals affected with Hereditary Breast And Ovarian Cancer Syndrome has been reported. At least one publication reports experimental evidence evaluating an impact on protein function. These results showed no damaging effect of this variant on homology directed repair (HDR) activity (example, Findlay_2018). HDR assays qualify as a recognized gold standard on the basis of updated guidance provided by the ClinGen Sequence Variant Interpretation (SVI) working group. This working group has recommended strong functional evidence (ACMG BS3) as sufficient weightage for categorization as likely benign (Tavtigian_2018). No clinical diagnostic laboratories have submitted clinical-significance assessments for this variant to ClinVar after 2014. Based on the evidence outlined above, until at-least one additional supporting criteria is identified and/or a peer consensus among laboratories is established, the variant was conservatively classified as VUS-possibly benign.

GeneDx
Classification: Uncertain significance. Last evaluated: 2014-04-22. Review status: criteria provided, single submitter. Criteria: GeneDx Variant Classification (06012015). Collection method: clinical testing. Allele origin: germline. Affected: yes.
Comment: A variant of uncertain significance displaying apparent mosaicism was detected, meaning the variant was detected in some, but not all, cells. This variant is denoted BRCA1 c.5378A>C at the cDNA level, p.Lys1793Thr (K1793T) at the protein level, and results in the change of a Lysine to a Threonine (AAG>ACG). This variant has not, to our knowledge, been published in the literature as pathogenic or benign. BRCA1 Lys1793Thr was not observed at a significant allele frequency in the NHLBI Exome Sequencing Project. Since Lysine and Threonine differ in some properties, this is considered a semi-conservative amino acid substitution. BRCA1 Lys1793Thr occurs at a position that is well conserved across species and is located in the BRCT 2 domain (UniProt). In silico analyses predict that this variant is probably damaging to protein structure and function. Based on currently available information, it is unclear whether BRCA1 Lys1793Thr is pathogenic or benign. We consider it to be a variant of uncertain significance. This variant appears to be mosaic, as the variant allele was present but underrepresented in comparison to the normal allele. This result was confirmed using alternate, non-overlapping primers, making it unlikely that this result is due to preferential amplification of the normal allele. Therefore, this variant is interpreted to be present in some, but not all, cells in this peripheral blood specimen. Neither Sanger nor Next Generation sequencing is a quantitative test; thus, it is not possible to determine more precisely the level of mosaicism in this specimen. Moreover, the level of mosaicism may be different in other tissues. As somatic mosaicism generally results from a post-zygotic event, parents and siblings are not likely at risk to carry this mosaic variant. Germline mosaicism and transmission to the offspring of this patient, however, cannot be excluded. Mosaicism for BRCA mutations has been reported in at least two individuals, including a BRCA1 mosaic deletion in an individual with early-onset bilateral breast cancer and a BRCA2 mosaic frameshift variant in an individual with Fanconi Anemia due to a FANCB mutation (Alter 2007, Delon 2013).

Brotman Baty Institute, University of Washington
No classification provided (evidence only). Condition: Breast-ovarian cancer, familial 1. Review status: no classification provided. Collection method: in vitro. Allele origin: not applicable. Functional consequence: functionally_normal. Not counted in ClinVar's aggregate classification.
ClinVar note: "not provided" was previously submitted as the classification for the variant. However, the classification appeared to be based only on an observation of functional data so it was converted to no classification on 2025-07-30.

Literature cited by the submitters: PubMed 30209399 (cited by Women's Health and Genetics/Laboratory Corporation of America, LabCorp).

NM_007294.4(BRCA1):c.5378A>C (p.Lys1793Thr)

Gene: BRCA1 (BRCA1 DNA repair associated; minus strand). Cytogenetic location: 17q21.31.
Variant type: single nucleotide variant.
Coding change: c.5378A>C on transcript NM_007294.4 (MANE Select); coding-DNA position 5378, A replaced by C.
Protein change: p.Lys1793Thr; replaces lysine 1793 with threonine.
Molecular consequence: missense variant. On other transcripts: non-coding transcript variant (1), intron variant (1).
Genome position (GRCh38, 1-based): chr17:43,049,149, T>G on the plus strand (A>C on the coding strand, the complement: BRCA1 is on the minus strand). VCF-style: chr17-43049149-T-G. GRCh37 (hg19) VCF-style: chr17-41201166-T-G.
Other names: p.K1793T:AAG>ACG; c.1823A>C, p.Lys608Thr (NM_001408495.1); c.1805A>C, p.Lys602Thr (NM_001408496.1, NM_001408497.1, NM_001408498.1 and 3 more transcripts); c.1688A>C, p.Lys563Thr (NM_001408510.1); c.1685A>C, p.Lys562Thr (NM_001408511.1); c.1565A>C, p.Lys522Thr (NM_001408512.1); c.1538A>C, p.Lys513Thr (NM_001408513.1); c.1142A>C, p.Lys381Thr (NM_001408514.1); and 74 more; short protein forms K1793T, K1814T, K1746T, K689T, K1664T, K1681T, K1723T, K1744T.
Identifiers: ClinVar variation 182081 (VCV000182081.7), dbSNP rs730881446, ClinGen allele CA003541.